The following is an entry in ClinVar:

NM_178857.6(RP1L1):c.5154G>A (p.Thr1718=)

Gene: RP1L1 (RP1 like 1). Cytogenetic location: 8p23.1.
Variant type: single nucleotide variant.
Coding change: c.5154G>A on transcript NM_178857.6 (MANE Select); coding-DNA position 5154, G replaced by A.
Protein change: p.Thr1718=; no amino-acid change (threonine 1718 retained).
Molecular consequence: synonymous variant.
Genome position (GRCh38, 1-based): chr8:10,608,944, C>T on the plus strand (G>A on the coding strand, the complement: RP1L1 is on the minus strand). VCF-style: chr8-10608944-C-T. GRCh37 (hg19) VCF-style: chr8-10466454-C-T.
Identifiers: ClinVar variation 3045902 (VCV003045902.3), dbSNP rs767002915, ClinGen allele CA4623749.
Genomic context (GRCh38, chr8:10,608,944, plus strand): 5'-AGGCCCCTGGCTCAGCCCCGGCCCCAGCCCTCCCTCAGCTCCCTGGACAGTCCTAGTGCT[C>T]GTGGGGTCCGTGTGGGTCTTGCCAGGGGCCACCTCTGCTGCCTCCCCATCAGTGTGTTCT-3'
Protein context (NP_849188.4, residues 1708-1728): VAPGKTHTDP[Thr1718=]STRTVQGAEG

ClinVar aggregate classification (germline): Likely benign. Review status: criteria provided, single submitter (1 of 4 stars). 2 submissions from 2 submitters: Likely benign (1). 1 of the submissions does not count toward it. Last evaluated 2022-06-24.

Conditions:
RP1L1-related disorder. Also called: RP1L1-related condition.

Allele frequency attached by ClinVar (database versions not stated): ExAC 0.00002; gnomAD exomes 0.00002; TOPMed 0.00002; gnomAD 0.00003.
gnomAD v4.1: 36 of 1,613,874 alleles (0.0022%); highest among the groups gnomAD compares: South Asian, 0.013%; no homozygotes.

Submissions (2):

Blueprint Genetics
Classification: Likely benign. Last evaluated: 2022-06-24. Review status: criteria provided, single submitter. Criteria: ACMG Guidelines, 2015. Collection method: clinical testing. Allele origin: germline.

PreventionGenetics, part of Exact Sciences
Classification: Likely benign for RP1L1-related condition. Last evaluated: 2019-11-21. Review status: no assertion criteria provided. Collection method: clinical testing. Allele origin: germline. Not counted in ClinVar's aggregate classification.
Comment: This variant is classified as likely benign based on ACMG/AMP sequence variant interpretation guidelines (Richards et al. 2015 PMID: 25741868, with internal and published modifications).